The following is an entry in ClinVar:

NM_198253.3(TERT):c.221T>A (p.Val74Glu)

Genes: TERT (telomerase reverse transcriptase; minus strand), LOC110806263 (TERT 5' regulatory region; plus strand). Cytogenetic location: 5p15.33.
Variant type: single nucleotide variant.
Coding change: c.221T>A on transcript NM_198253.3 (MANE Select); coding-DNA position 221, T replaced by A.
Protein change: p.Val74Glu; replaces valine 74 with glutamic acid.
Molecular consequence: missense variant. On other transcripts: non-coding transcript variant (2).
Genome position (GRCh38, 1-based): chr5:1,294,665, A>T on the plus strand (T>A on the coding strand, the complement: TERT is on the minus strand). VCF-style: chr5-1294665-A-T. GRCh37 (hg19) VCF-style: chr5-1294780-A-T.
Other names: c.221T>A, p.Val74Glu (NM_001193376.3); short protein forms V74E.
Identifiers: ClinVar variation 1026360 (VCV001026360.10), dbSNP rs1751273218, ClinGen allele CA359058729.

ClinVar aggregate classification (germline): Uncertain significance. Review status: criteria provided, multiple submitters, no conflicts (2 of 4 stars). 3 submissions from 3 submitters: Uncertain significance (3). Last evaluated 2025-12-10.

Conditions:
Idiopathic Pulmonary Fibrosis. Also called: Idiopathic fibrosing alveolitis, chronic form; idiopathic fibrosing alveolitis. Identifiers: Orphanet 2032, MedGen C1800706, MeSH D054990, MONDO:0800504.
Dyskeratosis congenita, autosomal dominant 2. Identifiers: MedGen C3151443, MONDO:0013521, OMIM 613989.
Dyskeratosis congenita. Identifiers: Orphanet 1775, MedGen C0265965, MONDO:0015780.

Allele frequency attached by ClinVar (database versions not stated): TOPMed below 0.00001.

Submissions (3):

Labcorp Genetics (formerly Invitae), Labcorp
Classification: Uncertain significance for Dyskeratosis congenita, autosomal dominant 2; Idiopathic Pulmonary Fibrosis. Last evaluated: 2025-12-10. Review status: criteria provided, single submitter. Criteria: Invitae Variant Classification Sherloc (09022015). Collection method: clinical testing. Allele origin: germline.
Comment: This sequence change replaces valine, which is neutral and non-polar, with glutamic acid, which is acidic and polar, at codon 74 of the TERT protein (p.Val74Glu). This variant is not present in population databases (gnomAD no frequency). This variant has not been reported in the literature in individuals affected with TERT-related conditions. ClinVar contains an entry for this variant (Variation ID: 1026360). Invitae Evidence Modeling of protein sequence and biophysical properties (such as structural, functional, and spatial information, amino acid conservation, physicochemical variation, residue mobility, and thermodynamic stability) indicates that this missense variant is expected to disrupt TERT protein function with a positive predictive value of 95%. In summary, the available evidence is currently insufficient to determine the role of this variant in disease. Therefore, it has been classified as a Variant of Uncertain Significance.

Baylor Genetics
Classification: Uncertain significance for Dyskeratosis congenita, autosomal dominant 2. Last evaluated: 2023-07-19. Review status: criteria provided, single submitter. Criteria: ACMG Guidelines, 2015. Collection method: clinical testing. Allele origin: unknown.

Ambry Genetics
Classification: Uncertain significance for Dyskeratosis congenita. Last evaluated: 2022-09-13. Review status: criteria provided, single submitter. Criteria: Ambry Variant Classification Scheme 2023. Collection method: clinical testing. Allele origin: germline.
Comment: The p.V74E variant (also known as c.221T>A), located in coding exon 2 of the TERT gene, results from a T to A substitution at nucleotide position 221. The valine at codon 74 is replaced by glutamic acid, an amino acid with dissimilar properties. This amino acid position is conserved. In addition, the in silico prediction for this alteration is inconclusive. Since supporting evidence is limited at this time, the clinical significance of this alteration remains unclear.